The following is an entry in ClinVar:

ClinVar aggregate classification (germline): Uncertain significance (1 of 4 stars; one submission).

Submission:

GeneDx
Classification: Uncertain significance. Last evaluated: 2022-11-07. Review status: criteria provided, single submitter. Criteria: GeneDx Variant Classification Process June 2021. Collection method: clinical testing. Allele origin: germline. Affected: yes.
Comment: Not observed at significant frequency in large population cohorts (gnomAD); In silico analysis supports that this missense variant has a deleterious effect on protein structure/function; Has not been previously published as pathogenic or benign to our knowledge; Variants in candidate genes are classified as variants of uncertain significance in accordance with ACMG guidelines (Richards et al., 2015)

NM_016098.4(MPC1):c.50A>C (p.Asp17Ala)

Gene: MPC1 (mitochondrial pyruvate carrier 1; minus strand). Cytogenetic location: 6q27.
Variant type: single nucleotide variant.
Coding change: c.50A>C on transcript NM_016098.4 (MANE Select); coding-DNA position 50, A replaced by C.
Protein change: p.Asp17Ala; replaces aspartic acid 17 with alanine.
Molecular consequence: missense variant. On other transcripts: 5 prime UTR variant (5), non-coding transcript variant (5).
Genome position (GRCh38, 1-based): chr6:166,382,827, T>G on the plus strand (A>C on the coding strand, the complement: MPC1 is on the minus strand). VCF-style: chr6-166382827-T-G. GRCh37 (hg19) VCF-style: chr6-166796315-T-G.
Other names: c.-296A>C (NM_001270879.2); c.-483A>C (NM_001376565.1); c.-76A>C (NM_001376566.1); c.-292A>C (NM_001376567.1); c.-267A>C (NM_001376568.1); c.50A>C, p.Asp17Ala (NM_001376569.1); short protein forms D17A.
Identifiers: ClinVar variation 2501431 (VCV002501431.1), dbSNP rs2534084950, ClinGen allele CA366399758.